The following is an entry in ClinVar:

ClinVar aggregate classification (germline): Likely benign (1 of 4 stars; one submission).

Submission:

Dasa
Classification: Likely benign. Last evaluated: 2026-05-18. Review status: criteria provided, single submitter. Criteria: DASA Assertion Criteria. Collection method: clinical testing. Allele origin: germline.
Comment: NM_001374244.1(BRAF):c.1198C>T (p.Arg400Cys) is a missense variant that results in the substitution of arginine with cysteine. The variant context is inconsistent with a known disease-causing mechanism. Computational prediction algorithms are consistent with a benign effect. Therefore, based on the currently available evidence, this variant is classified as likely benign.

NM_001374258.1(BRAF):c.1198C>T (p.Arg400Cys)

Gene: BRAF (B-Raf proto-oncogene, serine/threonine kinase; minus strand). Cytogenetic location: 7q34.
Variant type: single nucleotide variant.
Coding change: c.1198C>T on transcript NM_001374258.1 (MANE Plus Clinical); coding-DNA position 1198, C replaced by T.
Protein change: p.Arg400Cys; replaces arginine 400 with cysteine.
Molecular consequence: missense variant. On other transcripts: intron variant (11).
Genome position (GRCh38, 1-based): chr7:140,785,788, G>A on the plus strand (C>T on the coding strand, the complement: BRAF is on the minus strand). VCF-style: chr7-140785788-G-A. GRCh37 (hg19) VCF-style: chr7-140485588-G-A.
Other names: c.1198C>T, p.Arg400Cys (NM_001374244.1); c.1177+1760C>T (NM_001378474.1, NM_001378468.1, NM_001354609.2 and 2 more transcripts); c.1075+1760C>T (NM_001378470.1); c.913+1760C>T (NM_001378475.1); c.1141-2705C>T (NM_001378471.1); c.1186+1760C>T (NM_001378467.1); c.1021+1760C>T (NM_001378472.1, NM_001378473.1); short protein forms R400C.
Identifiers: ClinVar variation 5020542 (VCV005020542.1).